The following is an entry in ClinVar:

ClinVar aggregate classification (germline): Uncertain significance (1 of 4 stars; one submission).

Allele frequency attached by ClinVar (database versions not stated): ExAC 0.00001.
gnomAD v4.1: 1 of 1,614,022 alleles (0.000062%); highest among the groups gnomAD compares: Non-Finnish European, 0.000085%; no homozygotes.

Submission:

Ambry Genetics
Classification: Uncertain significance. Last evaluated: 2024-04-29. Review status: criteria provided, single submitter. Criteria: Ambry Variant Classification Scheme 2023. Collection method: clinical testing. Allele origin: germline.
Comment: The p.I1387L variant (also known as c.4159A>T), located in coding exon 16 of the POLQ gene, results from an A to T substitution at nucleotide position 4159. The isoleucine at codon 1387 is replaced by leucine, an amino acid with highly similar properties. This amino acid position is conserved. In addition, this alteration is predicted to be tolerated by in silico analysis. Since supporting evidence is limited at this time, the clinical significance of this alteration remains unclear.

NM_199420.4(POLQ):c.4159A>T (p.Ile1387Leu)

Gene: POLQ (DNA polymerase theta; minus strand). Cytogenetic location: 3q13.33.
Variant type: single nucleotide variant.
Coding change: c.4159A>T on transcript NM_199420.4 (MANE Select); coding-DNA position 4159, A replaced by T.
Protein change: p.Ile1387Leu; replaces isoleucine 1387 with leucine.
Molecular consequence: missense variant.
Genome position (GRCh38, 1-based): chr3:121,488,772, T>A on the plus strand (A>T on the coding strand, the complement: POLQ is on the minus strand). VCF-style: chr3-121488772-T-A. GRCh37 (hg19) VCF-style: chr3-121207619-T-A.
Other names: short protein forms I1387L.
Identifiers: ClinVar variation 1738313 (VCV001738313.3), dbSNP rs750296801, ClinGen allele CA2562949.